The following is an entry in ClinVar:

NM_001711.6(BGN):c.331A>G (p.Lys111Glu)

Gene: BGN (biglycan; plus strand). Cytogenetic location: Xq28.
Variant type: single nucleotide variant.
Coding change: c.331A>G on transcript NM_001711.6 (MANE Select); coding-DNA position 331, A replaced by G.
Protein change: p.Lys111Glu; replaces lysine 111 with glutamic acid.
Molecular consequence: missense variant.
Genome position (GRCh38, 1-based): chrX:153,505,330, A>G. VCF-style: chrX-153505330-A-G. GRCh37 (hg19) VCF-style: chrX-152770788-A-G.
Other names: short protein forms K111E.
Identifiers: ClinVar variation 1730172 (VCV001730172.7), dbSNP rs782696638, ClinGen allele CA10547190.

ClinVar aggregate classification (germline): Uncertain significance. Review status: criteria provided, multiple submitters, no conflicts (2 of 4 stars). 2 submissions from 2 submitters: Uncertain significance (2). Last evaluated 2025-09-16.

Conditions:
Cardiovascular phenotype. Identifiers: MedGen CN230736.

Allele frequency attached by ClinVar (database versions not stated): ExAC 0.00001; gnomAD exomes 0.00001; TOPMed 0.00002; gnomAD 0.00005.
gnomAD v4.1: 18 of 1,206,848 alleles (0.0015%); highest among the groups gnomAD compares: African/African-American, 0.0035%; no homozygotes.

Submissions (2):

Labcorp Genetics (formerly Invitae), Labcorp
Classification: Uncertain significance. Last evaluated: 2025-09-16. Review status: criteria provided, single submitter. Criteria: Invitae Variant Classification Sherloc (09022015). Collection method: clinical testing. Allele origin: germline.
Comment: This sequence change replaces lysine, which is basic and polar, with glutamic acid, which is acidic and polar, at codon 111 of the BGN protein (p.Lys111Glu). This variant is present in population databases (rs782696638, gnomAD 0.008%). This variant has not been reported in the literature in individuals affected with BGN-related conditions. ClinVar contains an entry for this variant (Variation ID: 1730172). Invitae Evidence Modeling of protein sequence and biophysical properties (such as structural, functional, and spatial information, amino acid conservation, physicochemical variation, residue mobility, and thermodynamic stability) indicates that this missense variant is not expected to disrupt BGN protein function with a negative predictive value of 80%. In summary, the available evidence is currently insufficient to determine the role of this variant in disease. Therefore, it has been classified as a Variant of Uncertain Significance.

Ambry Genetics
Classification: Uncertain significance for Cardiovascular phenotype. Last evaluated: 2022-07-29. Review status: criteria provided, single submitter. Criteria: Ambry Variant Classification Scheme 2023. Collection method: clinical testing. Allele origin: germline.
Comment: The p.K111E variant (also known as c.331A>G), located in coding exon 2 of the BGN gene, results from an A to G substitution at nucleotide position 331. The lysine at codon 111 is replaced by glutamic acid, an amino acid with similar properties. This amino acid position is conserved. In addition, the in silico prediction for this alteration is inconclusive. Since supporting evidence is limited at this time, the clinical significance of this alteration remains unclear.